The following is an entry in ClinVar:

ClinVar aggregate classification (germline): Uncertain significance. Review status: criteria provided, multiple submitters, no conflicts (2 of 4 stars). 2 submissions from 2 submitters: Uncertain significance (2). Last evaluated 2024-03-31.

Conditions:
Potassium-aggravated myotonia. Also called: MYOTONIA CONGENITA, ACETAZOLAMIDE-RESPONSIVE; MYOTONIA CONGENITA, ATYPICAL; SODIUM CHANNEL MUSCLE DISEASE; Myotonia congenita, atypical, acetazolamide-responsive. Identifiers: Orphanet 612, Orphanet 99734, Orphanet 99735, Orphanet 99736, MedGen C2931826, MONDO:0018959, OMIM 608390.
Paramyotonia congenita of Von Eulenburg. Also called: PARALYSIS PERIODICA PARAMYOTONICA; Eulenburg disease; Myotonia congenita intermittens; Von Eulenburg paramyotonia congenita; Paramyotonia Congenita. Identifiers: Orphanet 684, MedGen C0221055, MONDO:0008195, OMIM 168300. Disease mechanism: loss of function.
Congenital myopathy 22A, classic (CMYO22A). Identifiers: MedGen C5830453, MONDO:0957247, OMIM 620351.
Congenital myopathy 22B, severe fetal (CMYO22B). Identifiers: MedGen C5830501, MONDO:0957265, OMIM 620369.
Congenital myasthenic syndrome 16. Identifiers: Orphanet 590, MedGen C3280112, MONDO:0013620, OMIM 614198.
Hypokalemic periodic paralysis, type 2 (HOKPP2). Identifiers: Orphanet 681, MedGen C2750061, MONDO:0013234, OMIM 613345.
Hyperkalemic periodic paralysis. Also called: Familial hyperkalemic periodic paralysis; Gamstorp disease. Identifiers: Orphanet 682, MedGen C0238357, MONDO:0008224, OMIM 170500, HP:0007215.

Allele frequency attached by ClinVar (database versions not stated): gnomAD 0.00001.
gnomAD v4.1: 5 of 1,613,398 alleles (0.00031%); highest among the groups gnomAD compares: Non-Finnish European, 0.00042%; no homozygotes.

Submissions (2):

Fulgent Genetics
Classification: Uncertain significance for Paramyotonia congenita of Von Eulenburg; Hyperkalemic periodic paralysis; Potassium-aggravated myotonia; Hypokalemic periodic paralysis, type 2; Congenital myasthenic syndrome 16; Congenital myopathy 22A, classic; Congenital myopathy 22B, severe fetal. Last evaluated: 2024-03-31. Review status: criteria provided, single submitter. Criteria: ACMG Guidelines, 2015. Collection method: clinical testing. Allele origin: germline.

Labcorp Genetics (formerly Invitae), Labcorp
Classification: Uncertain significance for Hyperkalemic periodic paralysis. Last evaluated: 2022-02-17. Review status: criteria provided, single submitter. Criteria: Invitae Variant Classification Sherloc (09022015). Collection method: clinical testing. Allele origin: germline.
Comment: This sequence change replaces tryptophan, which is neutral and slightly polar, with serine, which is neutral and polar, at codon 1017 of the SCN4A protein (p.Trp1017Ser). This variant is not present in population databases (gnomAD no frequency). This variant has not been reported in the literature in individuals affected with SCN4A-related conditions. Algorithms developed to predict the effect of missense changes on protein structure and function are either unavailable or do not agree on the potential impact of this missense change (SIFT: "Tolerated"; PolyPhen-2: "Possibly Damaging"; Align-GVGD: "Class C0"). In summary, the available evidence is currently insufficient to determine the role of this variant in disease. Therefore, it has been classified as a Variant of Uncertain Significance.

NM_000334.4(SCN4A):c.3050G>C (p.Trp1017Ser)

Genes: GH-LCR (growth hormone locus control region; plus strand), SCN4A (sodium voltage-gated channel alpha subunit 4; minus strand). Cytogenetic location: 17q23.3.
Variant type: single nucleotide variant.
Coding change: c.3050G>C on transcript NM_000334.4 (MANE Select); coding-DNA position 3050, G replaced by C.
Protein change: p.Trp1017Ser; replaces tryptophan 1017 with serine.
Molecular consequence: missense variant.
Genome position (GRCh38, 1-based): chr17:63,948,705, C>G on the plus strand (G>C on the coding strand, the complement: SCN4A is on the minus strand). VCF-style: chr17-63948705-C-G. GRCh37 (hg19) VCF-style: chr17-62026065-C-G.
Other names: short protein forms W1017S.
Identifiers: ClinVar variation 2185593 (VCV002185593.5), dbSNP rs1355795979, ClinGen allele CA400621707.